The following is an entry in ClinVar:

NM_000044.6(AR):c.2317_2318+2del

Gene: AR (androgen receptor; plus strand). Cytogenetic location: Xq12.
Variant type: Deletion.
Coding change: c.2317_2318+2del on transcript NM_000044.6 (MANE Select); coding-DNA position 2317 through the canonical splice donor site of the intron after coding-DNA position 2318, 4 bases deleted (GAGT; older notation c.2317_2318+2delGAGT).
Molecular consequence: splice donor variant.
Genome position (GRCh38, 1-based): chrX:67,717,621-67,717,624, GAGT deleted; deleting any 4 consecutive bases within chrX:67,717,620-67,717,624 gives the same sequence; the c. name uses the placement nearest the transcript's 3' end. VCF-style (leftmost placement, unchanged base first): chrX-67717619-ATGAG-A. GRCh37 (hg19) VCF-style: chrX-66937461-ATGAG-A.
Other names: c.721_722+2del (NM_001011645.3).
Identifiers: ClinVar variation 3602178 (VCV003602178.1).

ClinVar aggregate classification (germline): Pathogenic (1 of 4 stars; one submission).

Submission:

GeneDx
Classification: Pathogenic. Last evaluated: 2024-08-01. Review status: criteria provided, single submitter. Criteria: GeneDx Variant Classification Process June 2021. Collection method: clinical testing. Allele origin: germline. Affected: yes.
Comment: Not observed at significant frequency in large population cohorts (gnomAD); Canonical splice site variant predicted to result in a null allele in a gene for which loss of function is a known mechanism of disease; This variant is associated with the following publications: (PMID: 17937062)